The following is an entry in ClinVar:

NM_170707.4(LMNA):c.1063C>A (p.Gln355Lys)

Gene: LMNA (lamin A/C; plus strand). Cytogenetic location: 1q22.
Variant type: single nucleotide variant.
Coding change: c.1063C>A on transcript NM_170707.4 (MANE Select); coding-DNA position 1063, C replaced by A.
Protein change: p.Gln355Lys; replaces glutamine 355 with lysine.
Molecular consequence: missense variant.
Genome position (GRCh38, 1-based): chr1:156,136,027, C>A. VCF-style: chr1-156136027-C-A. GRCh37 (hg19) VCF-style: chr1-156105818-C-A.
Other names: c.1063C>A, p.Gln355Lys (NM_001406985.1, NM_001406991.1, NM_001406992.1 and 6 more transcripts); c.820C>A, p.Gln274Lys (NM_001406986.1, NM_001406987.1, NM_001282624.2); c.766C>A, p.Gln256Lys (NM_001406988.1); c.727C>A, p.Gln243Lys (NM_001406989.1, NM_001257374.3, NM_001406998.1); c.505C>A, p.Gln169Lys (NM_001406990.1, NM_001406993.1, NM_001406995.1 and 4 more transcripts); c.439C>A, p.Gln147Lys (NM_001406994.1, NM_001406999.1, NM_001407000.1 and 1 more transcripts); short protein forms Q243K, Q274K, Q256K, Q355K, Q147K, Q169K.
Identifiers: ClinVar variation 2756516 (VCV002756516.3), dbSNP rs267607617, ClinGen allele CA342820300.

ClinVar aggregate classification (germline): Uncertain significance (1 of 4 stars; one submission).

Conditions:
Charcot-Marie-Tooth disease type 2. Also called: Charcot-Marie-Tooth type 2. Identifiers: Orphanet 64746, MedGen C0270914, MONDO:0018993.

Submission:

Labcorp Genetics (formerly Invitae), Labcorp
Classification: Uncertain significance for Charcot-Marie-Tooth disease type 2. Last evaluated: 2023-12-22. Review status: criteria provided, single submitter. Criteria: Invitae Variant Classification Sherloc (09022015). Collection method: clinical testing. Allele origin: germline.
Comment: This sequence change replaces glutamine, which is neutral and polar, with lysine, which is basic and polar, at codon 355 of the LMNA protein (p.Gln355Lys). This variant is not present in population databases (gnomAD no frequency). This variant has not been reported in the literature in individuals affected with LMNA-related conditions. Advanced modeling of protein sequence and biophysical properties (such as structural, functional, and spatial information, amino acid conservation, physicochemical variation, residue mobility, and thermodynamic stability) performed at Invitae indicates that this missense variant is expected to disrupt LMNA protein function with a positive predictive value of 95%. In summary, the available evidence is currently insufficient to determine the role of this variant in disease. Therefore, it has been classified as a Variant of Uncertain Significance.